The following is an entry in ClinVar:

ClinVar aggregate classification (germline): Uncertain significance (1 of 4 stars; one submission).

Conditions:
Adams-Oliver syndrome 5 (AOS5). Identifiers: Orphanet 974, MedGen C4014970, MONDO:0014459, OMIM 616028.

Allele frequency attached by ClinVar (database versions not stated): gnomAD exomes below 0.00001.
gnomAD v4.1: 1 of 1,424,142 alleles (0.00007%); highest among the groups gnomAD compares: Non-Finnish European, 0.000091%; no homozygotes.

Submission:

Labcorp Genetics (formerly Invitae), Labcorp
Classification: Uncertain significance for Adams-Oliver syndrome 5. Last evaluated: 2023-07-14. Review status: criteria provided, single submitter. Criteria: Invitae Variant Classification Sherloc (09022015). Collection method: clinical testing. Allele origin: germline.
Comment: In summary, the available evidence is currently insufficient to determine the role of this variant in disease. Therefore, it has been classified as a Variant of Uncertain Significance. Advanced modeling of protein sequence and biophysical properties (such as structural, functional, and spatial information, amino acid conservation, physicochemical variation, residue mobility, and thermodynamic stability) performed at Invitae indicates that this missense variant is not expected to disrupt NOTCH1 protein function. This variant has not been reported in the literature in individuals affected with NOTCH1-related conditions. This variant is not present in population databases (gnomAD no frequency). This sequence change replaces proline, which is neutral and non-polar, with arginine, which is basic and polar, at codon 15 of the NOTCH1 protein (p.Pro15Arg).

NM_017617.5(NOTCH1):c.44C>G (p.Pro15Arg)

Genes: NOTCH1 (notch receptor 1; minus strand), LOC130003020 (ATAC-STARR-seq lymphoblastoid silent region 20528; plus strand). Cytogenetic location: 9q34.3.
Variant type: single nucleotide variant.
Coding change: c.44C>G on transcript NM_017617.5 (MANE Select); coding-DNA position 44, C replaced by G.
Protein change: p.Pro15Arg; replaces proline 15 with arginine.
Molecular consequence: missense variant.
Genome position (GRCh38, 1-based): chr9:136,545,743, G>C on the plus strand (C>G on the coding strand, the complement: NOTCH1 is on the minus strand). VCF-style: chr9-136545743-G-C. GRCh37 (hg19) VCF-style: chr9-139440195-G-C.
Other names: short protein forms P15R.
Identifiers: ClinVar variation 2743290 (VCV002743290.3), dbSNP rs2540494904, ClinGen allele CA375579809.